The following is an entry in ClinVar:

ClinVar aggregate classification (germline): Likely pathogenic. Review status: criteria provided, multiple submitters, no conflicts (2 of 4 stars). 2 submissions from 2 submitters: Likely pathogenic (2). Last evaluated 2022-08-22.

Conditions:
RP2-related disorder. Also called: RP2-related condition.

Submissions (2):

Blueprint Genetics
Classification: Likely pathogenic for RP2-related disorders. Last evaluated: 2022-08-22. Review status: criteria provided, single submitter. Criteria: ACMG Guidelines, 2015. Collection method: clinical testing. Allele origin: germline. Affected: yes. Observed: 1 variant allele.

Labcorp Genetics (formerly Invitae), Labcorp
Classification: Likely pathogenic. Last evaluated: 2022-05-03. Review status: criteria provided, single submitter. Criteria: Invitae Variant Classification Sherloc (09022015). Collection method: clinical testing. Allele origin: germline.
Comment: This variant results in the deletion of part of exon 2 (c.103-13_105del) of the RP2 gene. It is expected to disrupt RNA splicing. Variants that disrupt the donor or acceptor splice site typically lead to a loss of protein function (PMID: 16199547), and loss-of-function variants in RP2 are known to be pathogenic (PMID: 11992260, 20625056). This variant is not present in population databases (gnomAD no frequency). This variant has not been reported in the literature in individuals affected with RP2-related conditions. Algorithms developed to predict the effect of sequence changes on RNA splicing suggest that this variant may disrupt the consensus splice site. In summary, the currently available evidence indicates that the variant is pathogenic, but additional data are needed to prove that conclusively. Therefore, this variant has been classified as Likely Pathogenic.

Literature cited by the submitters: PubMed 16199547 (cited by Labcorp Genetics (formerly Invitae), Labcorp); PubMed 11992260 (cited by Labcorp Genetics (formerly Invitae), Labcorp); PubMed 20625056 (cited by Labcorp Genetics (formerly Invitae), Labcorp).

NM_006915.3(RP2):c.103-13_105del

Gene: RP2 (RP2 activator of ARL3 GTPase; plus strand). Cytogenetic location: Xp11.3.
Variant type: Deletion.
Coding change: c.103-13_105del on transcript NM_006915.3 (MANE Select); 13 bases into the intron before coding-DNA position 103 through coding-DNA position 105, 16 bases deleted (TTTGTTCCTGCAGGTT).
Molecular consequence: splice acceptor variant.
Genome position (GRCh38, 1-based): chrX:46,853,463-46,853,478, TTTGTTCCTGCAGGTT deleted; deleting any 16 consecutive bases within chrX:46,853,462-46,853,478 gives the same sequence; the c. name uses the placement nearest the transcript's 3' end. VCF-style (leftmost placement, unchanged base first): chrX-46853461-GTTTTGTTCCTGCAGGT-G. GRCh37 (hg19) VCF-style: chrX-46712896-GTTTTGTTCCTGCAGGT-G.
Identifiers: ClinVar variation 2132821 (VCV002132821.5), dbSNP rs2519913683, ClinGen allele CA2580100992.